The following is an entry in ClinVar:

NM_002547.3(OPHN1):c.2217C>A (p.Arg739=)

Gene: OPHN1 (oligophrenin 1; minus strand). Cytogenetic location: Xq12.
Variant type: single nucleotide variant.
Coding change: c.2217C>A on transcript NM_002547.3 (MANE Select); coding-DNA position 2217, C replaced by A.
Protein change: p.Arg739=; no amino-acid change (arginine 739 retained).
Molecular consequence: synonymous variant.
Genome position (GRCh38, 1-based): chrX:68,053,752, G>T on the plus strand (C>A on the coding strand, the complement: OPHN1 is on the minus strand). VCF-style: chrX-68053752-G-T. GRCh37 (hg19) VCF-style: chrX-67273594-G-T.
Identifiers: ClinVar variation 2660778 (VCV002660778.24), dbSNP rs781261311, ClinGen allele CA10436766.

ClinVar aggregate classification (germline): Likely benign (1 of 4 stars; one submission).

gnomAD v4.1: 13 of 1,210,959 alleles (0.0011%); highest among the groups gnomAD compares: Middle Eastern, 0.023%; no homozygotes.

Submission:

CeGaT Center for Human Genetics Tuebingen
Classification: Likely benign. Last evaluated: 2023-05-01. Review status: criteria provided, single submitter. Criteria: CeGaT Center For Human Genetics Tuebingen Variant Classification Criteria Version 2. Collection method: clinical testing. Allele origin: germline. Affected: yes. Observed: 1 variant allele.
Comment: OPHN1: BP4, BP7